The following is an entry in ClinVar:

ClinVar aggregate classification (germline): Uncertain significance. Review status: criteria provided, multiple submitters, no conflicts (2 of 4 stars). 2 submissions from 2 submitters: Uncertain significance (2). Last evaluated 2025-07-30.

Conditions:
Hereditary cancer-predisposing syndrome. Also called: Hereditary neoplastic syndrome; Neoplastic Syndromes, Hereditary; Tumor predisposition; Hereditary Cancer Syndrome. Identifiers: Orphanet 140162, MedGen C0027672, MeSH D009386, MONDO:0015356.
DICER1-related tumor predisposition. Also called: DICER1 syndrome; DICER1-related pleuropulmonary blastoma cancer predisposition syndrome. Identifiers: Orphanet 284343, MedGen C3839822, MONDO:0100216.

Submissions (2):

Labcorp Genetics (formerly Invitae), Labcorp
Classification: Uncertain significance for DICER1-related tumor predisposition. Last evaluated: 2025-07-30. Review status: criteria provided, single submitter. Criteria: Invitae Variant Classification Sherloc (09022015). Collection method: clinical testing. Allele origin: germline.
Comment: This sequence change replaces asparagine, which is neutral and polar, with serine, which is neutral and polar, at codon 1145 of the DICER1 protein (p.Asn1145Ser). This variant is not present in population databases (gnomAD no frequency). This variant has not been reported in the literature in individuals affected with DICER1-related conditions. ClinVar contains an entry for this variant (Variation ID: 1000723). Invitae Evidence Modeling of protein sequence and biophysical properties (such as structural, functional, and spatial information, amino acid conservation, physicochemical variation, residue mobility, and thermodynamic stability) indicates that this missense variant is not expected to disrupt DICER1 protein function with a negative predictive value of 95%. In summary, the available evidence is currently insufficient to determine the role of this variant in disease. Therefore, it has been classified as a Variant of Uncertain Significance.

Ambry Genetics
Classification: Uncertain significance for Hereditary cancer-predisposing syndrome. Last evaluated: 2024-04-25. Review status: criteria provided, single submitter. Criteria: Ambry Variant Classification Scheme 2023. Collection method: clinical testing. Allele origin: germline.
Comment: The p.N1145S variant (also known as c.3434A>G), located in coding exon 20 of the DICER1 gene, results from an A to G substitution at nucleotide position 3434. The asparagine at codon 1145 is replaced by serine, an amino acid with highly similar properties. This amino acid position is conserved. In addition, this alteration is predicted to be tolerated by in silico analysis. Based on the available evidence, the clinical significance of this variant remains unclear.

NM_177438.3(DICER1):c.3434A>G (p.Asn1145Ser)

Gene: DICER1 (dicer 1, ribonuclease III; minus strand). Cytogenetic location: 14q32.13.
Variant type: single nucleotide variant.
Coding change: c.3434A>G on transcript NM_177438.3 (MANE Select); coding-DNA position 3434, A replaced by G.
Protein change: p.Asn1145Ser; replaces asparagine 1145 with serine.
Molecular consequence: missense variant.
Genome position (GRCh38, 1-based): chr14:95,103,962, T>C on the plus strand (A>G on the coding strand, the complement: DICER1 is on the minus strand). VCF-style: chr14-95103962-T-C. GRCh37 (hg19) VCF-style: chr14-95570299-T-C.
Other names: c.3434A>G (NM_177438.2); c.3434A>G, p.Asn1145Ser (NM_001195573.1, NM_001271282.3, NM_001291628.2 and 1 more transcripts); short protein forms N1145S.
Identifiers: ClinVar variation 1000723 (VCV001000723.9), dbSNP rs1891167536, ClinGen allele CA390875458.